The following is an entry in ClinVar:

NM_000135.4(FANCA):c.4023C>A (p.Tyr1341Ter)

Genes: ZNF276 (zinc finger protein 276; plus strand), FANCA (FA complementation group A; minus strand). Cytogenetic location: 16q24.3.
Variant type: single nucleotide variant.
Coding change: c.4023C>A on transcript NM_000135.4 (MANE Select); coding-DNA position 4023, C replaced by A.
Protein change: p.Tyr1341Ter; replaces tyrosine 1341 with a stop codon.
Molecular consequence: nonsense. On other transcripts: 3 prime UTR variant (2), non-coding transcript variant (4).
Genome position (GRCh38, 1-based): chr16:89,739,277, G>T on the plus strand (C>A on the coding strand, the complement: FANCA is on the minus strand). VCF-style: chr16-89739277-G-T. GRCh37 (hg19) VCF-style: chr16-89805685-G-T.
Other names: c.4023C>A, p.Tyr1341Ter (NM_001286167.3); c.*1031G>T (NM_001113525.2, NM_152287.4); short protein forms Y1341*.
Identifiers: ClinVar variation 4817536 (VCV004817536.1).

ClinVar aggregate classification (germline): Likely pathogenic (1 of 4 stars; one submission).

Conditions:
Fanconi anemia (FA). Also called: Fanconi's anemia. Identifiers: Orphanet 84, MedGen C0015625, MeSH D005199, MONDO:0019391.

gnomAD v4.1: 1 of 1,614,178 alleles (0.000062%); highest among the groups gnomAD compares: East Asian, 0.0022%; no homozygotes.

Submission:

Natera, Inc.
Classification: Likely pathogenic for Fanconi anemia. Last evaluated: 2024-03-25. Review status: criteria provided, single submitter. Criteria: Natera Variant Classification Schema (03/2026). Collection method: clinical testing. Allele origin: germline.
Comment: The c.4023C>A variant in FANCA is a nonsense variant predicted to introduce a stop codon at amino acid 1341. This variant is expected to result in nonsense mediated decay, truncation, or a dysfunctional protein product. This variant is rare in the general population with a frequency below the threshold expected for the associated phenotype(s). Given the available evidence, this variant is classified as Likely Pathogenic.